The following is an entry in ClinVar:

ClinVar aggregate classification (germline): Uncertain significance (1 of 4 stars; one submission).

Conditions:
Hereditary cancer-predisposing syndrome. Also called: Neoplastic Syndromes, Hereditary; Tumor predisposition; Hereditary Cancer Syndrome; Hereditary neoplastic syndrome. Identifiers: Orphanet 140162, MedGen C0027672, MeSH D009386, MONDO:0015356.

Allele frequency attached by ClinVar (database versions not stated): TOPMed below 0.00001.
gnomAD v4.1: 1 of 1,613,776 alleles (0.000062%); no homozygotes.

Submission:

Ambry Genetics
Classification: Uncertain significance for Hereditary cancer-predisposing syndrome. Last evaluated: 2025-09-01. Review status: criteria provided, single submitter. Criteria: Ambry Variant Classification Scheme 2023. Collection method: clinical testing. Allele origin: germline.
Comment: The p.T126N variant (also known as c.377C>A), located in coding exon 4 of the SDHA gene, results from a C to A substitution at nucleotide position 377. The threonine at codon 126 is replaced by asparagine, an amino acid with similar properties. This amino acid position is conserved. In addition, the in silico prediction for this alteration is inconclusive. Based on the available evidence, the clinical significance of this variant remains unclear.

NM_004168.4(SDHA):c.377C>A (p.Thr126Asn)

Gene: SDHA (succinate dehydrogenase complex flavoprotein subunit A; plus strand). Cytogenetic location: 5p15.33.
Variant type: single nucleotide variant.
Coding change: c.377C>A on transcript NM_004168.4 (MANE Select); coding-DNA position 377, C replaced by A.
Protein change: p.Thr126Asn; replaces threonine 126 with asparagine.
Molecular consequence: missense variant. On other transcripts: intron variant (1).
Genome position (GRCh38, 1-based): chr5:225,483, C>A. VCF-style: chr5-225483-C-A. GRCh37 (hg19) VCF-style: chr5-225598-C-A.
Other names: c.377C>A, p.Thr126Asn (NM_001330758.2); c.313-400C>A (NM_001294332.2); short protein forms T126N.
Identifiers: ClinVar variation 2231404 (VCV002231404.3), dbSNP rs748121363, ClinGen allele CA359009382.